The following is an entry in ClinVar:

ClinVar aggregate classification (germline): Uncertain significance (1 of 4 stars; one submission).

Conditions:
Autoimmune lymphoproliferative syndrome, type III caused by mutation in PRKCD. Identifiers: Orphanet 3261, Orphanet 664711, MedGen C3809928, MONDO:8000024, OMIM 615559.

Allele frequency attached by ClinVar (database versions not stated): gnomAD exomes below 0.00001.
gnomAD v4.1: 1 of 1,614,106 alleles (0.000062%); highest among the groups gnomAD compares: Middle Eastern, 0.016%; no homozygotes.

Submission:

Labcorp Genetics (formerly Invitae), Labcorp
Classification: Uncertain significance for Autoimmune lymphoproliferative syndrome, type III caused by mutation in PRKCD. Last evaluated: 2021-01-22. Review status: criteria provided, single submitter. Criteria: Invitae Variant Classification Sherloc (09022015). Collection method: clinical testing. Allele origin: germline.
Comment: Algorithms developed to predict the effect of missense changes on protein structure and function are either unavailable or do not agree on the potential impact of this missense change (SIFT: "Deleterious"; PolyPhen-2: "Benign"; Align-GVGD: "Class C0"). This sequence change replaces serine with leucine at codon 57 of the PRKCD protein (p.Ser57Leu). The serine residue is highly conserved and there is a large physicochemical difference between serine and leucine. This variant is not present in population databases (ExAC no frequency). This variant has not been reported in the literature in individuals with PRKCD-related conditions. In summary, the available evidence is currently insufficient to determine the role of this variant in disease. Therefore, it has been classified as a Variant of Uncertain Significance.

NM_006254.4(PRKCD):c.170C>T (p.Ser57Leu)

Gene: PRKCD (protein kinase C delta; plus strand). Cytogenetic location: 3p21.1.
Variant type: single nucleotide variant.
Coding change: c.170C>T on transcript NM_006254.4 (MANE Select); coding-DNA position 170, C replaced by T.
Protein change: p.Ser57Leu; replaces serine 57 with leucine.
Molecular consequence: missense variant.
Genome position (GRCh38, 1-based): chr3:53,179,631, C>T. VCF-style: chr3-53179631-C-T. GRCh37 (hg19) VCF-style: chr3-53213647-C-T.
Other names: c.170C>T, p.Ser57Leu (NM_001316327.2, NM_001354679.2, NM_001354680.2 and 1 more transcripts); c.227C>T, p.Ser76Leu (NM_001354676.2); c.218C>T, p.Ser73Leu (NM_001354678.2); short protein forms S57L, S73L, S76L.
Identifiers: ClinVar variation 1037195 (VCV001037195.5), dbSNP rs913175157, ClinGen allele CA74848413.